The following is an entry in ClinVar:

NM_001130987.2(DYSF):c.4794dup (p.Ile1599fs)

Gene: DYSF (dysferlin; plus strand). Cytogenetic location: 2p13.2.
Variant type: Duplication.
Coding change: c.4794dup on transcript NM_001130987.2 (MANE Select); coding-DNA position 4794, one base duplicated (C; older notation c.4794dupC).
Protein change: p.Ile1599fs; shifts the reading frame from isoleucine 1599.
Molecular consequence: frameshift variant.
Genome position (GRCh38, 1-based): chr2:71,658,916, C duplicated; the last of 2 consecutive C bases (chr2:71,658,915-71,658,916); duplicating either gives the same sequence. VCF-style (leftmost placement, unchanged base first): chr2-71658914-G-GC. GRCh37 (hg19) VCF-style: chr2-71886044-G-GC.
Other names: c.4680dup, p.Ile1561fs (NM_001130455.2); c.4635dup, p.Ile1546fs (NM_001130976.2); c.4698dup, p.Ile1567fs (NM_001130977.2); c.4740dup, p.Ile1581fs (NM_001130978.2); c.4770dup, p.Ile1591fs (NM_001130979.2); c.4728dup, p.Ile1577fs (NM_001130980.2); c.4791dup, p.Ile1598fs (NM_001130981.2); c.4773dup, p.Ile1592fs (NM_001130982.2); and 5 more; short protein forms I1546fs, I1547fs, I1560fs, I1561fs, I1567fs, I1568fs, I1577fs, I1578fs.
Identifiers: ClinVar variation 1192205 (VCV001192205.2), dbSNP rs2152940961, ClinGen allele CA2499216220.

ClinVar aggregate classification (germline): Likely pathogenic. Review status: criteria provided, multiple submitters, no conflicts (2 of 4 stars). 2 submissions from 2 submitters: Likely pathogenic (2). Last evaluated 2024-04-04.

Conditions:
Autosomal recessive limb-girdle muscular dystrophy. Identifiers: Orphanet 102015, MedGen C2931907, MONDO:0015152.

Submissions (2):

Revvity Omics, Revvity
Classification: Likely pathogenic. Last evaluated: 2024-04-04. Review status: criteria provided, single submitter. Criteria: ACMG Guidelines, 2015. Collection method: clinical testing. Allele origin: germline.

Women's Health and Genetics/Laboratory Corporation of America, LabCorp
Classification: Likely pathogenic for Autosomal recessive limb-girdle muscular dystrophy. Last evaluated: 2021-07-08. Review status: criteria provided, single submitter. Criteria: LabCorp Variant Classification Summary - May 2015. Collection method: clinical testing. Allele origin: germline.
Comment: Variant summary: DYSF c.4677dupC (p.Ile1560HisfsX41) results in a premature termination codon, predicted to cause a truncation of the encoded protein or absence of the protein due to nonsense mediated decay, which are commonly known mechanisms for disease. Truncations downstream of this position have been reported in affected individuals (HGMD). The variant was absent in 251462 control chromosomes (gnomAD). To our knowledge, no occurrence of c.4677dupC in individuals affected with Limb-Girdle Muscular Dystrophy, Autosomal Recessive and no experimental evidence demonstrating its impact on protein function have been reported. No clinical diagnostic laboratories have submitted clinical-significance assessments for this variant to ClinVar after 2014. Based on the evidence outlined above, the variant was classified as likely pathogenic.